The following is an entry in ClinVar:

NM_017763.6(RNF43):c.2144C>T (p.Pro715Leu)

Gene: RNF43 (ring finger protein 43; minus strand). Cytogenetic location: 17q22.
Variant type: single nucleotide variant.
Coding change: c.2144C>T on transcript NM_017763.6 (MANE Select); coding-DNA position 2144, C replaced by T.
Protein change: p.Pro715Leu; replaces proline 715 with leucine.
Molecular consequence: missense variant.
Genome position (GRCh38, 1-based): chr17:58,357,632, G>A on the plus strand (C>T on the coding strand, the complement: RNF43 is on the minus strand). VCF-style: chr17-58357632-G-A. GRCh37 (hg19) VCF-style: chr17-56434993-G-A.
Other names: c.2144C>T, p.Pro715Leu (NM_001305544.3, NM_001438820.1, NM_001438821.1 and 1 more transcripts); c.1763C>T, p.Pro588Leu (NM_001305545.2, NM_001437987.1); short protein forms P588L, P715L.
Identifiers: ClinVar variation 4155739 (VCV004155739.1).

ClinVar aggregate classification (germline): Uncertain significance (1 of 4 stars; one submission).

gnomAD v4.1: 3 of 1,613,988 alleles (0.00019%); highest among the groups gnomAD compares: South Asian, 0.0022%; no homozygotes.

Submission:

Ambry Genetics
Classification: Uncertain significance. Last evaluated: 2025-07-05. Review status: criteria provided, single submitter. Criteria: Ambry Variant Classification Scheme 2023. Collection method: clinical testing. Allele origin: germline.
Comment: The p.P715L variant (also known as c.2144C>T), located in coding exon 8 of the RNF43 gene, results from a C to T substitution at nucleotide position 2144. The proline at codon 715 is replaced by leucine, an amino acid with similar properties. This amino acid position is conserved. In addition, this alteration is predicted to be tolerated by in silico analysis. Based on the available evidence, the clinical significance of this variant remains unclear.